The following is an entry in ClinVar:

NM_001033855.3(DCLRE1C):c.1031T>C (p.Val344Ala)

Gene: DCLRE1C (DNA cross-link repair 1C; minus strand). Cytogenetic location: 10p13.
Variant type: single nucleotide variant.
Coding change: c.1031T>C on transcript NM_001033855.3 (MANE Select); coding-DNA position 1031, T replaced by C.
Protein change: p.Val344Ala; replaces valine 344 with alanine.
Molecular consequence: missense variant. On other transcripts: non-coding transcript variant (4).
Genome position (GRCh38, 1-based): chr10:14,923,011, A>G on the plus strand (T>C on the coding strand, the complement: DCLRE1C is on the minus strand). VCF-style: chr10-14923011-A-G. GRCh37 (hg19) VCF-style: chr10-14965010-A-G.
Other names: c.671T>C, p.Val224Ala (NM_001033857.3, NM_001033858.3, NM_001289077.2 and 2 more transcripts); c.686T>C, p.Val229Ala (NM_001289076.2, NM_001289078.2, NM_001350966.2 and 1 more transcripts); c.1031T>C, p.Val344Ala (NM_001350965.2); short protein forms V224A, V344A, V229A.
Identifiers: ClinVar variation 968507 (VCV000968507.7), dbSNP rs769742765, ClinGen allele CA5416581.

ClinVar aggregate classification (germline): Uncertain significance. Review status: criteria provided, single submitter (1 of 4 stars). 2 submissions from 2 submitters: Uncertain significance (1). 1 of the submissions does not count toward it. Last evaluated 2021-08-31.

Conditions:
Athabaskan severe combined immunodeficiency (SCIDA). Also called: Severe combined immunodeficiency, athabascan-type. Identifiers: MedGen C1865370.
Severe combined immunodeficiency due to DCLRE1C deficiency (RS-SCID). Also called: SCID, AUTOSOMAL RECESSIVE, T CELL-NEGATIVE, B CELL-NEGATIVE, NK CELL-POSITIVE, WITH SENSITIVITY TO IONIZING RADIATION. Identifiers: Orphanet 275, MedGen C1865371, MONDO:0011225, OMIM 602450.

Allele frequency attached by ClinVar (database versions not stated): TOPMed below 0.00001; ExAC 0.00001; gnomAD exomes below 0.00001.
gnomAD v4.1: 3 of 1,614,208 alleles (0.00019%); highest among the groups gnomAD compares: South Asian, 0.0011%; no homozygotes.

Submissions (2):

Labcorp Genetics (formerly Invitae), Labcorp
Classification: Uncertain significance for Athabaskan severe combined immunodeficiency. Last evaluated: 2021-08-31. Review status: criteria provided, single submitter. Criteria: Invitae Variant Classification Sherloc (09022015). Collection method: clinical testing. Allele origin: germline.
Comment: This sequence change replaces valine with alanine at codon 344 of the DCLRE1C protein (p.Val344Ala). The valine residue is weakly conserved and there is a small physicochemical difference between valine and alanine. This variant is present in population databases (rs769742765, ExAC 0.001%). This variant has not been reported in the literature in individuals affected with DCLRE1C-related conditions. Algorithms developed to predict the effect of missense changes on protein structure and function (SIFT, PolyPhen-2, Align-GVGD) all suggest that this variant is likely to be tolerated. In summary, the available evidence is currently insufficient to determine the role of this variant in disease. Therefore, it has been classified as a Variant of Uncertain Significance.

Natera, Inc.
Classification: Uncertain significance for Athabascan severe combined immunodeficiency. Last evaluated: 2020-11-24. Review status: no assertion criteria provided. Collection method: clinical testing. Allele origin: germline. Not counted in ClinVar's aggregate classification.